The following is an entry in ClinVar:

NM_005263.5(GFI1):c.662T>A (p.Leu221Gln)

Gene: GFI1 (growth factor independent 1 transcriptional repressor; minus strand). Cytogenetic location: 1p22.1.
Variant type: single nucleotide variant.
Coding change: c.662T>A on transcript NM_005263.5 (MANE Select); coding-DNA position 662, T replaced by A.
Protein change: p.Leu221Gln; replaces leucine 221 with glutamine.
Molecular consequence: missense variant.
Genome position (GRCh38, 1-based): chr1:92,480,725, A>T on the plus strand (T>A on the coding strand, the complement: GFI1 is on the minus strand). VCF-style: chr1-92480725-A-T. GRCh37 (hg19) VCF-style: chr1-92946282-A-T.
Other names: c.662T>A, p.Leu221Gln (NM_001127215.3, NM_001127216.3); short protein forms L221Q.
Identifiers: ClinVar variation 1337430 (VCV001337430.9), dbSNP rs370626442, ClinGen allele CA951346.

ClinVar aggregate classification (germline): Uncertain significance. Review status: criteria provided, multiple submitters, no conflicts (2 of 4 stars). 3 submissions from 3 submitters: Uncertain significance (3). Last evaluated 2025-09-28.

Conditions:
Neutropenia, severe congenital, 2, autosomal dominant. Identifiers: Orphanet 486, MedGen C2751288, MONDO:0013139, OMIM 613107.

Allele frequency attached by ClinVar (database versions not stated): ExAC 0.00003; gnomAD 0.00003 and 0.00004; gnomAD exomes 0.00003; TOPMed 0.00004; ESP Exome Variant Server 0.00024.
gnomAD v4.1: 32 of 1,594,666 alleles (0.002%); highest among the groups gnomAD compares: Non-Finnish European, 0.0025%; no homozygotes.

Submissions (3):

Labcorp Genetics (formerly Invitae), Labcorp
Classification: Uncertain significance for Neutropenia, severe congenital, 2, autosomal dominant. Last evaluated: 2025-09-28. Review status: criteria provided, single submitter. Criteria: Invitae Variant Classification Sherloc (09022015). Collection method: clinical testing. Allele origin: germline.
Comment: This sequence change replaces leucine, which is neutral and non-polar, with glutamine, which is neutral and polar, at codon 221 of the GFI1 protein (p.Leu221Gln). This variant is present in population databases (rs370626442, gnomAD 0.009%). This variant has not been reported in the literature in individuals affected with GFI1-related conditions. ClinVar contains an entry for this variant (Variation ID: 1337430). Invitae Evidence Modeling of protein sequence and biophysical properties (such as structural, functional, and spatial information, amino acid conservation, physicochemical variation, residue mobility, and thermodynamic stability) indicates that this missense variant is not expected to disrupt GFI1 protein function with a negative predictive value of 80%. In summary, the available evidence is currently insufficient to determine the role of this variant in disease. Therefore, it has been classified as a Variant of Uncertain Significance.

Ambry Genetics
Classification: Uncertain significance. Last evaluated: 2024-10-04. Review status: criteria provided, single submitter. Criteria: Ambry Variant Classification Scheme 2023. Collection method: clinical testing. Allele origin: germline.
Comment: The p.L221Q variant (also known as c.662T>A), located in coding exon 3 of the GFI1 gene, results from a T to A substitution at nucleotide position 662. The leucine at codon 221 is replaced by glutamine, an amino acid with dissimilar properties. This amino acid position is conserved. In addition, this alteration is predicted to be tolerated by in silico analysis. Based on the available evidence, the clinical significance of this variant remains unclear.

Genetic Services Laboratory, University of Chicago
Classification: Uncertain significance. Last evaluated: 2019-10-28. Review status: criteria provided, single submitter. Criteria: ACMG Guidelines, 2015. Collection method: clinical testing. Allele origin: germline. Affected: no.